The following is an entry in ClinVar:

NM_001111125.3(IQSEC2):c.988C>T (p.Gln330Ter)

Gene: IQSEC2 (IQ motif and Sec7 domain ArfGEF 2; minus strand). Cytogenetic location: Xp11.22.
Variant type: single nucleotide variant.
Coding change: c.988C>T on transcript NM_001111125.3 (MANE Select); coding-DNA position 988, C replaced by T.
Protein change: p.Gln330Ter; replaces glutamine 330 with a stop codon.
Molecular consequence: nonsense.
Genome position (GRCh38, 1-based): chrX:53,255,811, G>A on the plus strand (C>T on the coding strand, the complement: IQSEC2 is on the minus strand). VCF-style: chrX-53255811-G-A. GRCh37 (hg19) VCF-style: chrX-53284993-G-A.
Other names: c.988C>T (NM_001111125.1); c.988C>T, p.Gln330Ter (NM_001410736.1, NM_001441092.1); c.490C>T, p.Gln164Ter (NM_001441093.1); c.277C>T, p.Gln93Ter (NM_001441094.1, NM_001441095.1); c.373C>T, p.Gln125Ter (NM_015075.2); short protein forms Q330*, Q93*, Q164*, Q125*.
Identifiers: ClinVar variation 4727379 (VCV004727379.2).

ClinVar aggregate classification (germline): Pathogenic. Review status: criteria provided, multiple submitters, no conflicts (2 of 4 stars). 2 submissions from 2 submitters: Pathogenic (2). Last evaluated 2026-04-14.

Conditions:
Intellectual developmental disorder, X-linked 1. Also called: Atkin Flaitz Patil Smith syndrome; MENTAL RETARDATION, X-LINKED 18; MENTAL RETARDATION, X-LINKED 78; Intellectual disability, X-linked 1. Identifiers: Orphanet 777, MedGen C2931498, MONDO:0010656, OMIM 309530.

Submissions (2):

GeneDx
Classification: Pathogenic. Last evaluated: 2026-04-14. Review status: criteria provided, single submitter. Criteria: GeneDx Variant Classification Process June 2021. Collection method: clinical testing. Allele origin: germline.
Comment: Nonsense variant predicted to result in protein truncation or nonsense mediated decay in a gene for which loss of function is a known mechanism of disease; Not observed at significant frequency in large population cohorts (gnomAD); Has not been previously published as pathogenic or benign to our knowledge

Labcorp Genetics (formerly Invitae), Labcorp
Classification: Pathogenic for Intellectual developmental disorder, X-linked 1. Last evaluated: 2025-09-17. Review status: criteria provided, single submitter. Criteria: Invitae Variant Classification Sherloc (09022015). Collection method: clinical testing. Allele origin: germline.
Comment: This sequence change creates a premature translational stop signal (p.Gln330*) in the IQSEC2 gene. It is expected to result in an absent or disrupted protein product. Loss-of-function variants in IQSEC2 are known to be pathogenic (PMID: 21686261, 26793055, 27665735). This variant is not present in population databases (gnomAD no frequency). This variant has not been reported in the literature in individuals affected with IQSEC2-related conditions. For these reasons, this variant has been classified as Pathogenic.

Literature cited by the submitters: PubMed 21686261 (cited by Labcorp Genetics (formerly Invitae), Labcorp); PubMed 26793055 (cited by Labcorp Genetics (formerly Invitae), Labcorp); PubMed 27665735 (cited by Labcorp Genetics (formerly Invitae), Labcorp).